The following is an entry in ClinVar:

ClinVar aggregate classification (germline): Uncertain significance (1 of 4 stars; one submission).

Submission:

GeneDx
Classification: Uncertain significance. Last evaluated: 2024-08-04. Review status: criteria provided, single submitter. Criteria: GeneDx Variant Classification Process June 2021. Collection method: clinical testing. Allele origin: germline. Affected: yes.
Comment: Not observed at significant frequency in large population cohorts (gnomAD); In silico analysis supports a deleterious effect on splicing; In silico analysis indicates that this missense variant does not alter protein structure/function; Has not been previously published as pathogenic or benign to our knowledge

NM_014804.3(KIAA0753):c.1828A>G (p.Arg610Gly)

Gene: KIAA0753 (KIAA0753; minus strand). Cytogenetic location: 17p13.1.
Variant type: single nucleotide variant.
Coding change: c.1828A>G on transcript NM_014804.3 (MANE Select); coding-DNA position 1828, A replaced by G.
Protein change: p.Arg610Gly; replaces arginine 610 with glycine.
Molecular consequence: missense variant. On other transcripts: non-coding transcript variant (3).
Genome position (GRCh38, 1-based): chr17:6,608,349, T>C on the plus strand (A>G on the coding strand, the complement: KIAA0753 is on the minus strand). VCF-style: chr17-6608349-T-C. GRCh37 (hg19) VCF-style: chr17-6511669-T-C.
Other names: c.931A>G, p.Arg311Gly (NM_001351225.2); short protein forms R311G, R610G.
Identifiers: ClinVar variation 3603096 (VCV003603096.1).